The following is an entry in ClinVar:

ClinVar aggregate classification (germline): Pathogenic. Review status: criteria provided, multiple submitters, no conflicts (2 of 4 stars). 6 submissions from 6 submitters: Pathogenic (5). 1 of the submissions does not count toward it. Last evaluated 2025-05-23.

Conditions:
Malaria, susceptibility to. Identifiers: Orphanet 673, MedGen C1970028, MONDO:0021024, OMIM 611162.
Anemia, nonspherocytic hemolytic, due to G6PD deficiency (CNSHA1). Also called: ANEMIA, CONGENITAL, NONSPHEROCYTIC HEMOLYTIC, 1; Hemolytic anemia due to G6PD deficiency; Class I glucose-6-phosphate dehydrogenase deficiency; Favism, susceptibility to. Identifiers: Orphanet 466026, MedGen C2720289, MONDO:0010480, OMIM 300908.
G6PD BEVERLY HILLS.

Allele frequency attached by ClinVar (database versions not stated): gnomAD exomes below 0.00001.
gnomAD v4.1: 1 of 1,212,147 alleles (0.000082%); highest among the groups gnomAD compares: Non-Finnish European, 0.00011%; no homozygotes.

Submissions (6):

3billion
Classification: Pathogenic for Anemia, nonspherocytic hemolytic, due to G6PD deficiency. Last evaluated: 2025-05-23. Review status: criteria provided, single submitter. Criteria: ACMG Guidelines, 2015. Collection method: clinical testing. Allele origin: germline. Affected: yes.
Comment: The variant is observed at an extremely low frequency in the gnomAD v4.1.0 dataset (total allele frequency: <0.001%). Predicted Consequence/Location: The variant is located in a mutational hot spot and/or well-established functional domain in which established pathogenic variants have been reported. Missense variant. Missense changes are a common disease-causing mechanism. In silico tool predictions suggest damaging effect of the variant on gene or gene product [REVEL: 0.92 (>=0.6, sensitivity 0.68 and specificity 0.92); 3Cnet: 0.99 (> 0.75, sensitivity 0.96 and precision 0.92)]. The same nucleotide change resulting in the same amino acid change has been previously reported as pathogenic/likely pathogenic with strong evidence (ClinVar ID: VCV000010376 /PMID: 2602358). A different missense change at the same codon (p.Arg387Cys) has been reported as pathogenic/likely pathogenic with strong evidence (ClinVar ID: VCV000010396 /PMID: 1611091). Therefore, this variant is classified as Pathogenic according to the recommendation of ACMG/AMP guideline.

Labcorp Genetics (formerly Invitae), Labcorp
Classification: Pathogenic for Anemia, nonspherocytic hemolytic, due to G6PD deficiency. Last evaluated: 2025-02-28. Review status: criteria provided, single submitter. Criteria: Invitae Variant Classification Sherloc (09022015). Collection method: clinical testing. Allele origin: germline.
Comment: This sequence change replaces arginine, which is basic and polar, with histidine, which is basic and polar, at codon 387 of the G6PD protein (p.Arg387His). This variant is not present in population databases (gnomAD no frequency). This missense change has been observed in individual(s) with G6PD deficiency (PMID: 2602358, 12187030, 29248304; internal data). ClinVar contains an entry for this variant (Variation ID: 10376). Invitae Evidence Modeling of protein sequence and biophysical properties (such as structural, functional, and spatial information, amino acid conservation, physicochemical variation, residue mobility, and thermodynamic stability) indicates that this missense variant is expected to disrupt G6PD protein function with a positive predictive value of 95%. This variant disrupts the p.Arg387 amino acid residue in G6PD. Other variant(s) that disrupt this residue have been observed in individuals with G6PD-related conditions (PMID: 1611091), which suggests that this may be a clinically significant amino acid residue. For these reasons, this variant has been classified as Pathogenic.

Revvity Omics, Revvity
Classification: Pathogenic for Anemia, nonspherocytic hemolytic, due to G6PD deficiency. Last evaluated: 2024-11-28. Review status: criteria provided, single submitter. Criteria: ACMG Guidelines, 2015. Collection method: clinical testing. Allele origin: germline.

Dunham Lab, University of Washington
Classification: Pathogenic for Anemia, nonspherocytic hemolytic, due to G6PD deficiency. Last evaluated: 2022-08-12. Review status: criteria provided, single submitter. Criteria: Bayesian ACMG Guidelines, 2018. Collection method: curation. Allele origin: unknown. Affected: yes.
Comment: Variant found in unrelated hemizygotes with deficiency and CNSHA (PS4_M, PP4). Decreased activity in red blood cells (0-4%) (PS3). Within dimer interface (PM1). Predicted to be damaging or deleterious by multiple computational algorithms (PP3). Not found in gnomAD (PM2). Reported as pathogenic by Invitae (PP5). Post_P 0.999 (odds of pathogenicity 13661, Prior_P 0.1).

Baylor Genetics
Classification: Pathogenic for Malaria, susceptibility to. Last evaluated: 2022-07-09. Review status: criteria provided, single submitter. Criteria: ACMG Guidelines, 2015. Collection method: clinical testing. Allele origin: unknown.

OMIM
Classification: other for G6PD BEVERLY HILLS. Last evaluated: 2013-04-18. Review status: no assertion criteria provided. Collection method: literature only. Allele origin: germline. Not counted in ClinVar's aggregate classification.

Literature cited by the submitters: PubMed 2602358 (cited by 4 submitters); PubMed 1611091 (cited by 3billion and Labcorp Genetics (formerly Invitae), Labcorp); PubMed 12187030 (cited by Labcorp Genetics (formerly Invitae), Labcorp); PubMed 29248304 (cited by Labcorp Genetics (formerly Invitae), Labcorp); PubMed 2307454 (cited by Dunham Lab, University of Washington); PubMed 7440223 (cited by Dunham Lab, University of Washington); PubMed 3201886 (cited by Dunham Lab, University of Washington); PubMed 736032 (cited by Dunham Lab, University of Washington); PubMed 8193373 (cited by Dunham Lab, University of Washington); PubMed 9674740 (cited by Dunham Lab, University of Washington); PubMed 10571945 (cited by Dunham Lab, University of Washington); PubMed 28028996 (cited by Dunham Lab, University of Washington); PubMed 7858267 (cited by Dunham Lab, University of Washington); PubMed 9192788 (cited by Dunham Lab, University of Washington); PubMed 31294066 (cited by Dunham Lab, University of Washington).

NM_000402.4(G6PD):c.1250G>A (p.Arg417His)

Gene: G6PD (glucose-6-phosphate dehydrogenase; minus strand). Cytogenetic location: Xq28.
Variant type: single nucleotide variant.
Coding change: c.1250G>A on transcript NM_000402.4; coding-DNA position 1250, G replaced by A.
Protein change: p.Arg417His; replaces arginine 417 with histidine.
Molecular consequence: missense variant.
Genome position (GRCh38, 1-based): chrX:154,532,694, C>T on the plus strand (G>A on the coding strand, the complement: G6PD is on the minus strand). VCF-style: chrX-154532694-C-T. GRCh37 (hg19) VCF-style: chrX-153760909-C-T.
Other names: G6PD, ARG387HIS; G6PD Beverly Hills; G6PD Genova; G6PD Iwate; G6PD Niigata; G6PD Yamaguchi; c.1160G>A, p.Arg387His (NM_001042351.3, NM_001360016.2); short protein forms R387H, R417H.
Identifiers: ClinVar variation 10376 (VCV000010376.15), dbSNP rs137852321, ClinGen allele CA120970.